The following is an entry in ClinVar:

ClinVar aggregate classification (germline): Uncertain significance (1 of 4 stars; one submission).

Conditions:
MHC class II deficiency. Also called: Bare lymphocyte syndrome 2; BLS, TYPE II. Identifiers: Orphanet 572, MedGen C5447452, MONDO:0008855.

Allele frequency attached by ClinVar (database versions not stated): gnomAD exomes 0.00001; TOPMed 0.00002.
gnomAD v4.1: 15 of 1,613,950 alleles (0.00093%); highest among the groups gnomAD compares: Non-Finnish European, 0.0013%; no homozygotes.

Submission:

Labcorp Genetics (formerly Invitae), Labcorp
Classification: Uncertain significance for MHC class II deficiency. Last evaluated: 2022-02-08. Review status: criteria provided, single submitter. Criteria: Invitae Variant Classification Sherloc (09022015). Collection method: clinical testing. Allele origin: germline.
Comment: In summary, the available evidence is currently insufficient to determine the role of this variant in disease. Therefore, it has been classified as a Variant of Uncertain Significance. This sequence change replaces alanine, which is neutral and non-polar, with threonine, which is neutral and polar, at codon 211 of the RFXANK protein (p.Ala211Thr). This variant also falls at the last nucleotide of exon 8, which is part of the consensus splice site for this exon. This variant is not present in population databases (gnomAD no frequency). This variant has not been reported in the literature in individuals affected with RFXANK-related conditions. ClinVar contains an entry for this variant (Variation ID: 945731). Algorithms developed to predict the effect of missense changes on protein structure and function are either unavailable or do not agree on the potential impact of this missense change (SIFT: "Tolerated"; PolyPhen-2: "Possibly Damaging"; Align-GVGD: "Class C0"). Variants that disrupt the consensus splice site are a relatively common cause of aberrant splicing (PMID: 17576681, 9536098). Algorithms developed to predict the effect of sequence changes on RNA splicing suggest that this variant may disrupt the consensus splice site.

Literature cited by the submitters: PubMed 17576681; PubMed 9536098.

NM_003721.4(RFXANK):c.631G>A (p.Ala211Thr)

Gene: RFXANK (regulatory factor X associated ankyrin containing protein; plus strand). Cytogenetic location: 19p13.11.
Variant type: single nucleotide variant.
Coding change: c.631G>A on transcript NM_003721.4 (MANE Select); coding-DNA position 631, G replaced by A.
Protein change: p.Ala211Thr; replaces alanine 211 with threonine.
Molecular consequence: missense variant.
Genome position (GRCh38, 1-based): chr19:19,198,723, G>A. VCF-style: chr19-19198723-G-A. GRCh37 (hg19) VCF-style: chr19-19309532-G-A.
Other names: c.565G>A, p.Ala189Thr (NM_001278727.2, NM_001370234.1); c.562G>A, p.Ala188Thr (NM_001278728.2, NM_134440.3); c.631G>A, p.Ala211Thr (NM_001370233.1, NM_001370238.1); c.628G>A, p.Ala210Thr (NM_001370235.1, NM_001370236.1, NM_001370237.1); short protein forms A210T, A188T, A189T, A211T.
Identifiers: ClinVar variation 945731 (VCV000945731.9), dbSNP rs1277340509, ClinGen allele CA404896964.